The following is an entry in ClinVar:

ClinVar aggregate classification (germline): Uncertain significance (1 of 4 stars; one submission).

Conditions:
Progressive myoclonic epilepsy. Also called: Familial progressive myoclonic epilepsy; Myoclonus epilepsy; Progressive myoclonus epilepsy; Myoclonic Epilepsies, Progressive. Identifiers: Orphanet 308, Orphanet 98261, MedGen C0751778, MONDO:0020074.

Allele frequency attached by ClinVar (database versions not stated): gnomAD 0.00003; TOPMed 0.00004.

Submission:

Labcorp Genetics (formerly Invitae), Labcorp
Classification: Uncertain significance for Progressive myoclonic epilepsy. Last evaluated: 2022-07-18. Review status: criteria provided, single submitter. Criteria: Invitae Variant Classification Sherloc (09022015). Collection method: clinical testing. Allele origin: germline.
Comment: This sequence change replaces alanine, which is neutral and non-polar, with threonine, which is neutral and polar, at codon 72 of the EPM2A protein (p.Ala72Thr). This variant is not present in population databases (gnomAD no frequency). This variant has not been reported in the literature in individuals affected with EPM2A-related conditions. ClinVar contains an entry for this variant (Variation ID: 1056482). Algorithms developed to predict the effect of missense changes on protein structure and function are either unavailable or do not agree on the potential impact of this missense change (SIFT: "Deleterious"; PolyPhen-2: "Benign"; Align-GVGD: "Class C0"). In summary, the available evidence is currently insufficient to determine the role of this variant in disease. Therefore, it has been classified as a Variant of Uncertain Significance.

NM_005670.4(EPM2A):c.214G>A (p.Ala72Thr)

Genes: EPM2A (EPM2A glucan phosphatase, laforin; minus strand), EPM2A-DT (EPM2A divergent transcript; plus strand), LOC129997381 (ATAC-STARR-seq lymphoblastoid silent region 17642; plus strand). Cytogenetic location: 6q24.3.
Variant type: single nucleotide variant.
Coding change: c.214G>A on transcript NM_005670.4 (MANE Select); coding-DNA position 214, G replaced by A.
Protein change: p.Ala72Thr; replaces alanine 72 with threonine.
Molecular consequence: missense variant. On other transcripts: 5 prime UTR variant (3), intron variant (1).
Genome position (GRCh38, 1-based): chr6:145,735,285, C>T on the plus strand (G>A on the coding strand, the complement: EPM2A is on the minus strand). VCF-style: chr6-145735285-C-T. GRCh37 (hg19) VCF-style: chr6-146056421-C-T.
Other names: c.214G>A, p.Ala72Thr (NM_001018041.2, NM_001360057.2, NM_001368130.1); c.-456G>A (NM_001360071.2); c.-410G>A (NM_001368129.2); c.-154G>A (NM_001368131.1); c.-114+623G>A (NM_001360064.2); short protein forms A72T.
Identifiers: ClinVar variation 1056482 (VCV001056482.8), dbSNP rs992596583, ClinGen allele CA149194980.